The following is an entry in ClinVar:

ClinVar aggregate classification (germline): Uncertain significance (1 of 4 stars; one submission).

Conditions:
Primary ciliary dyskinesia. Also called: Ciliary dyskinesia. Identifiers: Orphanet 244, MedGen C0008780, MONDO:0016575, HP:0012265.

Allele frequency attached by ClinVar (database versions not stated): gnomAD 0.00001.
gnomAD v4.1: 7 of 1,614,052 alleles (0.00043%); highest among the groups gnomAD compares: African/African-American, 0.004%; no homozygotes.

Submission:

Labcorp Genetics (formerly Invitae), Labcorp
Classification: Uncertain significance for Primary ciliary dyskinesia. Last evaluated: 2024-12-16. Review status: criteria provided, single submitter. Criteria: Invitae Variant Classification Sherloc (09022015). Collection method: clinical testing. Allele origin: germline.
Comment: This sequence change replaces proline, which is neutral and non-polar, with alanine, which is neutral and non-polar, at codon 35 of the DNAI2 protein (p.Pro35Ala). This variant is present in population databases (no rsID available, gnomAD 0.003%). This variant has not been reported in the literature in individuals affected with DNAI2-related conditions. ClinVar contains an entry for this variant (Variation ID: 1987229). Invitae Evidence Modeling of protein sequence and biophysical properties (such as structural, functional, and spatial information, amino acid conservation, physicochemical variation, residue mobility, and thermodynamic stability) indicates that this missense variant is not expected to disrupt DNAI2 protein function with a negative predictive value of 95%. In summary, the available evidence is currently insufficient to determine the role of this variant in disease. Therefore, it has been classified as a Variant of Uncertain Significance.

NM_023036.6(DNAI2):c.103C>G (p.Pro35Ala)

Gene: DNAI2 (dynein axonemal intermediate chain 2; plus strand). Cytogenetic location: 17q25.1.
Variant type: single nucleotide variant.
Coding change: c.103C>G on transcript NM_023036.6 (MANE Select); coding-DNA position 103, C replaced by G.
Protein change: p.Pro35Ala; replaces proline 35 with alanine.
Molecular consequence: missense variant. On other transcripts: non-coding transcript variant (1).
Genome position (GRCh38, 1-based): chr17:74,281,920, C>G. VCF-style: chr17-74281920-C-G. GRCh37 (hg19) VCF-style: chr17-72278059-C-G.
Other names: c.103C>G, p.Pro35Ala (NM_001172810.3, NM_001353167.2); short protein forms P35A.
Identifiers: ClinVar variation 1987229 (VCV001987229.3), dbSNP rs1297623367, ClinGen allele CA400912076.